The following is an entry in ClinVar:

ClinVar aggregate classification (germline): Uncertain significance (1 of 4 stars; one submission).

Submission:

Labcorp Genetics (formerly Invitae), Labcorp
Classification: Uncertain significance. Last evaluated: 2023-03-03. Review status: criteria provided, single submitter. Criteria: Invitae Variant Classification Sherloc (09022015). Collection method: clinical testing. Allele origin: germline.
Comment: In summary, the available evidence is currently insufficient to determine the role of this variant in disease. Therefore, it has been classified as a Variant of Uncertain Significance. Advanced modeling of protein sequence and biophysical properties (such as structural, functional, and spatial information, amino acid conservation, physicochemical variation, residue mobility, and thermodynamic stability) performed at Invitae indicates that this missense variant is not expected to disrupt DCHS1 protein function. This variant has not been reported in the literature in individuals affected with DCHS1-related conditions. This variant is not present in population databases (gnomAD no frequency). This sequence change replaces glutamine, which is neutral and polar, with histidine, which is basic and polar, at codon 324 of the DCHS1 protein (p.Gln324His).

NM_003737.4(DCHS1):c.972G>C (p.Gln324His)

Gene: DCHS1 (dachsous cadherin-related 1; minus strand). Cytogenetic location: 11p15.4.
Variant type: single nucleotide variant.
Coding change: c.972G>C on transcript NM_003737.4 (MANE Select); coding-DNA position 972, G replaced by C.
Protein change: p.Gln324His; replaces glutamine 324 with histidine.
Molecular consequence: missense variant.
Genome position (GRCh38, 1-based): chr11:6,640,642, C>G on the plus strand (G>C on the coding strand, the complement: DCHS1 is on the minus strand). VCF-style: chr11-6640642-C-G. GRCh37 (hg19) VCF-style: chr11-6661873-C-G.
Other names: short protein forms Q324H.
Identifiers: ClinVar variation 2842628 (VCV002842628.3), dbSNP rs1589960577, ClinGen allele CA379438292.
Genomic context (GRCh38, chr11:6,640,642, plus strand): 5'-GCCCAGCTCAGGGTGAGCCCCACCATCTCGTGCTTGCACCACCAGTTCATGGACCCGCCG[C>G]TGCTCAAAGTCCAGTGGCCGCTCTAACTGCAGCAGCCCCGTGTGTGCGTCGATGGAGAAG-3'
Protein context (NP_003728.1, residues 314-334): LQLERPLDFE[Gln324His]RRVHELVVQA